The following is an entry in ClinVar:

ClinVar aggregate classification (germline): Uncertain significance. Review status: criteria provided, multiple submitters, no conflicts (2 of 4 stars). 2 submissions from 2 submitters: Uncertain significance (2). Last evaluated 2025-07-21.

gnomAD v4.1: 9 of 1,553,688 alleles (0.00058%); highest among the groups gnomAD compares: Non-Finnish European, 0.00079%; no homozygotes.

Submissions (2):

GeneDx
Classification: Uncertain significance. Last evaluated: 2025-07-21. Review status: criteria provided, single submitter. Criteria: GeneDx Variant Classification Process June 2021. Collection method: clinical testing. Allele origin: germline. Affected: yes.
Comment: Not observed at significant frequency in large population cohorts (gnomAD); In silico analysis suggests that this missense variant does not alter protein structure/function; Has not been previously published as pathogenic or benign to our knowledge

Blueprint Genetics
Classification: Uncertain significance. Last evaluated: 2023-12-22. Review status: criteria provided, single submitter. Criteria: ACMG Guidelines, 2015. Collection method: clinical testing. Allele origin: germline.

NM_032119.4(ADGRV1):c.9071A>T (p.Tyr3024Phe)

Gene: ADGRV1 (adhesion G protein-coupled receptor V1; plus strand). Cytogenetic location: 5q14.3.
Variant type: single nucleotide variant.
Coding change: c.9071A>T on transcript NM_032119.4 (MANE Select); coding-DNA position 9071, A replaced by T.
Protein change: p.Tyr3024Phe; replaces tyrosine 3024 with phenylalanine.
Molecular consequence: missense variant. On other transcripts: non-coding transcript variant (1).
Genome position (GRCh38, 1-based): chr5:90,712,315, A>T. VCF-style: chr5-90712315-A-T. GRCh37 (hg19) VCF-style: chr5-90008132-A-T.
Other names: short protein forms Y3024F.
Identifiers: ClinVar variation 4686845 (VCV004686845.2).